The following is an entry in ClinVar:

NM_000311.5(PRNP):c.*1412T>A

Gene: PRNP (prion protein (Kanno blood group); plus strand). Cytogenetic location: 20p13.
Variant type: single nucleotide variant.
Coding change: c.*1412T>A on transcript NM_000311.5 (MANE Select); 1412 bases downstream of the stop codon, T replaced by A.
Molecular consequence: 3 prime UTR variant.
Genome position (GRCh38, 1-based): chr20:4,701,394, T>A. VCF-style: chr20-4701394-T-A. GRCh37 (hg19) VCF-style: chr20-4682040-T-A.
Other names: c.*1412T>A (NM_001080121.3, NM_001080122.3, NM_001080123.3 and 1 more transcripts); c.*1863T>A (NM_001271561.3).
Identifiers: ClinVar variation 338673 (VCV000338673.5), dbSNP rs150850205, ClinGen allele CA10652598.

ClinVar aggregate classification (germline): Benign (1 of 4 stars; one submission).

Conditions:
Inherited prion disease. Identifiers: Orphanet 280400, MedGen C5679775, MONDO:0017234.

Allele frequency attached by ClinVar (database versions not stated): gnomAD 0.00043 and 0.00064; TOPMed 0.00083; 1000 Genomes Project 0.00339; 1000 Genomes Project 30x 0.00422.

Submission:

Illumina Laboratory Services, Illumina
Classification: Benign for Genetic prion diseases. Last evaluated: 2018-01-13. Review status: criteria provided, single submitter. Criteria: ICSL Variant Classification Criteria 13 December 2019. Collection method: clinical testing. Allele origin: germline.
Comment: This variant was observed in the ICSL laboratory as part of a predisposition screen in an ostensibly healthy population. It had not been previously curated by ICSL or reported in the Human Gene Mutation Database (HGMD: prior to June 1st, 2018), and was therefore a candidate for classification through an automated scoring system. Utilizing variant allele frequency, disease prevalence and penetrance estimates, and inheritance mode, an automated score was calculated to assess if this variant is too frequent to cause the disease. Based on the score and internal cut-off values, a variant classified as benign is not then subjected to further curation. The score for this variant resulted in a classification of benign for this disease.